The following is an entry in ClinVar:

ClinVar aggregate classification (germline): Uncertain significance (1 of 4 stars; one submission).

Conditions:
Inborn genetic diseases. Identifiers: MedGen C0950123, MeSH D030342.

Submission:

Ambry Genetics
Classification: Uncertain significance for Inborn genetic diseases. Last evaluated: 2025-05-10. Review status: criteria provided, single submitter. Criteria: Ambry Variant Classification Scheme 2023. Collection method: clinical testing. Allele origin: germline.
Comment: The p.E32K variant (also known as c.94G>A), located in coding exon 1 of the KDM1A gene, results from a G to A substitution at nucleotide position 94. The glutamic acid at codon 32 is replaced by lysine, an amino acid with similar properties. This amino acid position is conserved. In addition, this alteration is predicted to be tolerated by in silico analysis. Based on the available evidence, the clinical significance of this variant remains unclear.

NM_001009999.3(KDM1A):c.94G>A (p.Glu32Lys)

Gene: KDM1A (lysine demethylase 1A; plus strand). Cytogenetic location: 1p36.12.
Variant type: single nucleotide variant.
Coding change: c.94G>A on transcript NM_001009999.3 (MANE Select); coding-DNA position 94, G replaced by A.
Protein change: p.Glu32Lys; replaces glutamic acid 32 with lysine.
Molecular consequence: missense variant.
Genome position (GRCh38, 1-based): chr1:23,019,690, G>A. VCF-style: chr1-23019690-G-A. GRCh37 (hg19) VCF-style: chr1-23346183-G-A.
Other names: c.94G>A, p.Glu32Lys (NM_001363654.2, NM_001410762.1, NM_001410763.1 and 1 more transcripts); short protein forms E32K.
Identifiers: ClinVar variation 4042132 (VCV004042132.1).
Genomic context (GRCh38, chr1:23,019,690, plus strand): 5'-GCGGCGGCTGCAGCGGCAGCAACCGGGACGGAGGCTGGCCCTGGGACAGCAGGCGGCTCC[G>A]AGAACGGGTCTGAGGTGGCCGCGCAGCCCGCGGGCCTGTCGGGCCCAGCCGAGGTCGGGC-3'
Protein context (NP_001009999.1, residues 22-42): EAGPGTAGGS[Glu32Lys]NGSEVAAQPA